The following is an entry in ClinVar:

NM_007078.3(LDB3):c.1520C>T (p.Thr507Ile)

Gene: LDB3 (LIM domain binding 3; plus strand). Cytogenetic location: 10q23.2.
Variant type: single nucleotide variant.
Coding change: c.1520C>T on transcript NM_007078.3 (MANE Select); coding-DNA position 1520, C replaced by T.
Protein change: p.Thr507Ile; replaces threonine 507 with isoleucine.
Molecular consequence: missense variant.
Genome position (GRCh38, 1-based): chr10:86,716,615, C>T. VCF-style: chr10-86716615-C-T. GRCh37 (hg19) VCF-style: chr10-88476372-C-T.
Other names: c.1190C>T, p.Thr397Ile (NM_001080114.2); c.1535C>T, p.Thr512Ile (NM_001171610.2); c.1331C>T, p.Thr444Ile (NM_001368064.1, NM_001368065.1); c.1379C>T, p.Thr460Ile (NM_001368066.1); short protein forms T444I, T512I, T460I, T507I, T397I.
Identifiers: ClinVar variation 1774415 (VCV001774415.2), dbSNP rs150188572, ClinGen allele CA377451140.

ClinVar aggregate classification (germline): Uncertain significance (1 of 4 stars; one submission).

Conditions:
Cardiovascular phenotype. Identifiers: MedGen CN230736.

gnomAD v4.1: 1 of 1,613,914 alleles (0.000062%); highest among the groups gnomAD compares: African/African-American, 0.0013%; no homozygotes.

Submission:

Ambry Genetics
Classification: Uncertain significance for Cardiovascular phenotype. Last evaluated: 2021-10-19. Review status: criteria provided, single submitter. Criteria: Ambry Variant Classification Scheme 2023. Collection method: clinical testing. Allele origin: germline.
Comment: The p.T507I variant (also known as c.1520C>T), located in coding exon 9 of the LDB3 gene, results from a C to T substitution at nucleotide position 1520. The threonine at codon 507 is replaced by isoleucine, an amino acid with similar properties. This amino acid position is conserved. In addition, this alteration is predicted to be tolerated by in silico analysis. Since supporting evidence is limited at this time, the clinical significance of this alteration remains unclear.